The following is an entry in ClinVar:

ClinVar aggregate classification (germline): Likely benign (1 of 4 stars; one submission).

Allele frequency attached by ClinVar (database versions not stated): gnomAD 0.00001; TOPMed 0.00001; ExAC 0.00002; gnomAD exomes 0.00002.
gnomAD v4.1: 36 of 1,611,648 alleles (0.0022%); highest among the groups gnomAD compares: Non-Finnish European, 0.0028%; no homozygotes.

Submission:

CeGaT Center for Human Genetics Tuebingen
Classification: Likely benign. Last evaluated: 2022-05-01. Review status: criteria provided, single submitter. Criteria: CeGaT Center For Human Genetics Tuebingen Variant Classification Criteria Version 2. Collection method: clinical testing. Allele origin: germline. Affected: yes. Observed: 1 variant allele.
Comment: HERC2: BP4, BP7

NM_004667.6(HERC2):c.6246A>G (p.Pro2082=)

Gene: HERC2 (HECT and RLD domain containing E3 ubiquitin protein ligase 2; minus strand). Cytogenetic location: 15q13.1.
Variant type: single nucleotide variant.
Coding change: c.6246A>G on transcript NM_004667.6 (MANE Select); coding-DNA position 6246, A replaced by G.
Protein change: p.Pro2082=; no amino-acid change (proline 2082 retained).
Molecular consequence: synonymous variant.
Genome position (GRCh38, 1-based): chr15:28,214,767, T>C on the plus strand (A>G on the coding strand, the complement: HERC2 is on the minus strand). VCF-style: chr15-28214767-T-C. GRCh37 (hg19) VCF-style: chr15-28459913-T-C.
Identifiers: ClinVar variation 2645068 (VCV002645068.24), dbSNP rs764321944, ClinGen allele CA7442107.